The following is an entry in ClinVar:

NM_001242896.3(DEPDC5):c.2767C>G (p.Gln923Glu)

Gene: DEPDC5 (DEP domain containing 5, GATOR1 subcomplex subunit; plus strand). Cytogenetic location: 22q12.3.
Variant type: single nucleotide variant.
Coding change: c.2767C>G on transcript NM_001242896.3 (MANE Select); coding-DNA position 2767, C replaced by G.
Protein change: p.Gln923Glu; replaces glutamine 923 with glutamic acid.
Molecular consequence: missense variant. On other transcripts: non-coding transcript variant (5).
Genome position (GRCh38, 1-based): chr22:31,843,778, C>G. VCF-style: chr22-31843778-C-G. GRCh37 (hg19) VCF-style: chr22-32239764-C-G.
Other names: c.2740C>G, p.Gln914Glu (NM_001136029.4, NM_001369903.1, NM_014662.6); c.2533C>G, p.Gln845Glu (NM_001242897.2, NM_001363854.2, NM_001364319.2); c.2767C>G, p.Gln923Glu (NM_001363852.2, NM_001364318.2, NM_001364320.2); c.2683C>G, p.Gln895Glu (NM_001369901.1, NM_001369902.1); short protein forms Q895E, Q845E, Q923E, Q914E.
Identifiers: ClinVar variation 1379738 (VCV001379738.6), dbSNP rs2149009626, ClinGen allele CA411290155.

ClinVar aggregate classification (germline): Uncertain significance (1 of 4 stars; one submission).

Conditions:
Familial focal epilepsy with variable foci (FPEVF). Identifiers: Orphanet 98820, MedGen C1858477, MONDO:0020310.

Submission:

Labcorp Genetics (formerly Invitae), Labcorp
Classification: Uncertain significance for Familial focal epilepsy with variable foci. Last evaluated: 2021-09-05. Review status: criteria provided, single submitter. Criteria: Invitae Variant Classification Sherloc (09022015). Collection method: clinical testing. Allele origin: germline.
Comment: In summary, the available evidence is currently insufficient to determine the role of this variant in disease. Therefore, it has been classified as a Variant of Uncertain Significance. Algorithms developed to predict the effect of missense changes on protein structure and function are either unavailable or do not agree on the potential impact of this missense change (SIFT: "Tolerated"; PolyPhen-2: "Not Available"; Align-GVGD: "Class C0"). This variant has not been reported in the literature in individuals affected with DEPDC5-related conditions. This sequence change replaces glutamine with glutamic acid at codon 923 of the DEPDC5 protein (p.Gln923Glu). The glutamine residue is highly conserved and there is a small physicochemical difference between glutamine and glutamic acid. This variant is not present in population databases (ExAC no frequency).